The following is an entry in ClinVar:

NM_018979.4(WNK1):c.3269G>T (p.Ser1090Ile)

Gene: WNK1 (WNK lysine deficient protein kinase 1; plus strand). Cytogenetic location: 12p13.33.
Variant type: single nucleotide variant.
Coding change: c.3269G>T on transcript NM_018979.4 (MANE Select); coding-DNA position 3269, G replaced by T.
Protein change: p.Ser1090Ile; replaces serine 1090 with isoleucine.
Molecular consequence: missense variant.
Genome position (GRCh38, 1-based): chr12:881,970, G>T. VCF-style: chr12-881970-G-T. GRCh37 (hg19) VCF-style: chr12-991136-G-T.
Other names: c.4049G>T, p.Ser1350Ile (NM_001184985.2); c.2528G>T, p.Ser843Ile (NM_014823.3); c.4025G>T, p.Ser1342Ile (NM_213655.5); short protein forms S1090I, S1342I, S1350I, S843I.
Identifiers: ClinVar variation 949361 (VCV000949361.9), dbSNP rs780692513, ClinGen allele CA6382730.
Genomic context (GRCh38, chr12:881,970, plus strand): 5'-GTGCACATTCAGATGTTGCTTCAGGTATGAGTGATGGCAATGAGAACGTCCCATCTTCCA[G>T]TGGAAGGCATGAAGGAAGAACTACAAAACGGCATTACCGAAAATCTGTAAGGAGTCGCTC-3'
Protein context (NP_061852.3, residues 1080-1100): SDGNENVPSS[Ser1090Ile]GRHEGRTTKR

ClinVar aggregate classification (germline): Uncertain significance (1 of 4 stars; one submission).

Conditions:
Neuropathy, hereditary sensory and autonomic, type 2A (HSAN2A). Also called: MORVAN DISEASE; NEUROPATHY, CONGENITAL SENSORY; NEUROPATHY, HEREDITARY SENSORY RADICULAR, AUTOSOMAL RECESSIVE; NEUROPATHY, HEREDITARY SENSORY, TYPE IIA; NEUROPATHY, PROGRESSIVE SENSORY, OF CHILDREN; WNK1-Related HSAN2 (HSAN2A). Identifiers: Orphanet 970, MedGen C2752089, MONDO:0024309, OMIM 201300.
Pseudohypoaldosteronism type 2C (PHA2C). Also called: Pseudohypoaldosteronism Type IIC. Identifiers: Orphanet 757, Orphanet 88940, MedGen C1840391, MONDO:0013778, OMIM 614492.

Allele frequency attached by ClinVar (database versions not stated): ExAC 0.00001; gnomAD 0.00001; gnomAD exomes 0.00001; TOPMed 0.00001.
gnomAD v4.1: 28 of 1,614,022 alleles (0.0017%); highest among the groups gnomAD compares: East Asian, 0.0022%; no homozygotes.

Submission:

Labcorp Genetics (formerly Invitae), Labcorp
Classification: Uncertain significance for Neuropathy, hereditary sensory and autonomic, type 2A; Pseudohypoaldosteronism type 2C. Last evaluated: 2022-05-05. Review status: criteria provided, single submitter. Criteria: Invitae Variant Classification Sherloc (09022015). Collection method: clinical testing. Allele origin: germline.
Comment: This variant has not been reported in the literature in individuals affected with WNK1-related conditions. In summary, the available evidence is currently insufficient to determine the role of this variant in disease. Therefore, it has been classified as a Variant of Uncertain Significance. Advanced modeling of protein sequence and biophysical properties (such as structural, functional, and spatial information, amino acid conservation, physicochemical variation, residue mobility, and thermodynamic stability) performed at Invitae indicates that this missense variant is not expected to disrupt WNK1 protein function. ClinVar contains an entry for this variant (Variation ID: 949361). This variant is present in population databases (rs780692513, gnomAD 0.006%). This sequence change replaces serine, which is neutral and polar, with isoleucine, which is neutral and non-polar, at codon 1342 of the WNK1 protein (p.Ser1342Ile).